The following is an entry in ClinVar:

NM_004341.5(CAD):c.4396G>T (p.Gly1466Ter)

Gene: CAD (carbamoyl-phosphate synthetase 2, aspartate transcarbamylase, and dihydroorotase; plus strand). Cytogenetic location: 2p23.3.
Variant type: single nucleotide variant.
Coding change: c.4396G>T on transcript NM_004341.5 (MANE Select); coding-DNA position 4396, G replaced by T.
Protein change: p.Gly1466Ter; replaces glycine 1466 with a stop codon.
Molecular consequence: nonsense.
Genome position (GRCh38, 1-based): chr2:27,236,830, G>T. VCF-style: chr2-27236830-G-T. GRCh37 (hg19) VCF-style: chr2-27459698-G-T.
Other names: c.4207G>T, p.Gly1403Ter (NM_001306079.2); short protein forms G1466*, G1403*.
Identifiers: ClinVar variation 4773326 (VCV004773326.1).

ClinVar aggregate classification (germline): Pathogenic (1 of 4 stars; one submission).

Submission:

Labcorp Genetics (formerly Invitae), Labcorp
Classification: Pathogenic. Last evaluated: 2026-01-04. Review status: criteria provided, single submitter. Criteria: Invitae Variant Classification Sherloc (09022015). Collection method: clinical testing. Allele origin: germline.
Comment: This sequence change creates a premature translational stop signal (p.Gly1466*) in the CAD gene. It is expected to result in an absent or disrupted protein product. Loss-of-function variants in CAD are known to be pathogenic (PMID: 28007989, 32117025, 32820246, 33497533). This variant is not present in population databases (gnomAD no frequency). This variant has not been reported in the literature in individuals affected with CAD-related conditions. Algorithms developed to predict the effect of sequence changes on RNA splicing suggest that this variant may disrupt the consensus splice site. For these reasons, this variant has been classified as Pathogenic.

Literature cited by the submitters: PubMed 28007989; PubMed 32117025; PubMed 32820246; PubMed 33497533.